The following is an entry in ClinVar:

ClinVar aggregate classification (germline): Likely benign (0 of 4 stars; one submission).

Conditions:
VPS33B-related disorder. Also called: VPS33B-related condition.

Allele frequency attached by ClinVar (database versions not stated): gnomAD exomes below 0.00001.
gnomAD v4.1: 1 of 1,614,160 alleles (0.000062%); highest among the groups gnomAD compares: Middle Eastern, 0.017%; no homozygotes.

Submission:

PreventionGenetics, part of Exact Sciences
Classification: Likely benign for VPS33B-related condition. Last evaluated: 2023-02-21. Review status: no assertion criteria provided. Collection method: clinical testing. Allele origin: germline.
Comment: This variant is classified as likely benign based on ACMG/AMP sequence variant interpretation guidelines (Richards et al. 2015 PMID: 25741868, with internal and published modifications).

NM_018668.5(VPS33B):c.852+9G>A

Gene: VPS33B (VPS33B late endosome and lysosome associated; minus strand). Cytogenetic location: 15q26.1.
Variant type: single nucleotide variant.
Coding change: c.852+9G>A on transcript NM_018668.5 (MANE Select); 9 bases into the intron after coding-DNA position 852, G replaced by A.
Molecular consequence: intron variant.
Genome position (GRCh38, 1-based): chr15:91,006,363, C>T on the plus strand (G>A on the coding strand, the complement: VPS33B is on the minus strand). VCF-style: chr15-91006363-C-T. GRCh37 (hg19) VCF-style: chr15-91549593-C-T.
Other names: c.771+9G>A (NM_001289148.1); c.579+9G>A (NM_001289149.1).
Identifiers: ClinVar variation 3044957 (VCV003044957.2), dbSNP rs918899267, ClinGen allele CA274752373.
Genomic context (GRCh38, chr15:91,006,363, plus strand): 5'-GCAGGGGGCCCACAGCCTGGTATAAGCAGTGGCCCTAGGTGGGCCCATTGCTAGCACCCA[C>T]ACCCTCACCTTGTCCTCGGCATTGAGTAGCACCTTCAGGCTCTTGTCAGAGGATGTGACT-3'